The following is an entry in ClinVar:

NM_001128840.3(CACNA1D):c.1220+577C>T

Gene: CACNA1D (calcium voltage-gated channel subunit alpha1 D; plus strand). Cytogenetic location: 3p21.1.
Variant type: single nucleotide variant.
Coding change: c.1220+577C>T on transcript NM_001128840.3 (MANE Select); 577 bases into the intron after coding-DNA position 1220, C replaced by T.
Molecular consequence: intron variant.
Genome position (GRCh38, 1-based): chr3:53,673,703, C>T. VCF-style: chr3-53673703-C-T. GRCh37 (hg19) VCF-style: chr3-53707730-C-T.
Other names: c.1220+577C>T (NM_001128839.3); c.1117-10C>T (NM_000720.4, NM_000720.3).
Identifiers: ClinVar variation 2893106 (VCV002893106.4), dbSNP rs748585081, ClinGen allele CA2453849.

ClinVar aggregate classification (germline): Likely benign. Review status: criteria provided, multiple submitters, no conflicts (2 of 4 stars). 2 submissions from 2 submitters: Likely benign (2). Last evaluated 2026-06-18.

Conditions:
CACNA1D-related disorder.

Allele frequency attached by ClinVar (database versions not stated): gnomAD exomes below 0.00001; ExAC 0.00001; gnomAD 0.00001; TOPMed 0.00001.
gnomAD v4.1: 3 of 1,589,378 alleles (0.00019%); highest among the groups gnomAD compares: Non-Finnish European, 0.00026%; no homozygotes.

Submissions (2):

PreventionGenetics, part of Exact Sciences
Classification: Likely benign for CACNA1D-related condition. Last evaluated: 2026-06-18. Review status: criteria provided, single submitter. Criteria: ACMG Guidelines, 2015. Collection method: clinical testing. Allele origin: germline.
Comment: This variant is classified as likely benign based on ACMG/AMP sequence variant interpretation guidelines (Richards et al. 2015 PMID: 25741868, with internal and published modifications).

Labcorp Genetics (formerly Invitae), Labcorp
Classification: Likely benign. Last evaluated: 2023-04-15. Review status: criteria provided, single submitter. Criteria: Invitae Variant Classification Sherloc (09022015). Collection method: clinical testing. Allele origin: germline.